The following is an entry in ClinVar:

ClinVar aggregate classification (germline): Uncertain significance (1 of 4 stars; one submission).

Conditions:
Microcephaly, normal intelligence and immunodeficiency (NBS). Also called: Nijmegen breakage syndrome; Microcephaly with normal intelligence immunodeficiency and lymphoreticular malignancies; Nonsyndromal microcephaly autosomal recessive with normal intelligence; Seemanova syndrome 2; IMMUNODEFICIENCY, MICROCEPHALY, AND CHROMOSOMAL INSTABILITY; Ataxia telangiectasia variant V1. Identifiers: Orphanet 647, MedGen C0398791, MONDO:0009623, OMIM 251260.

Submission:

Labcorp Genetics (formerly Invitae), Labcorp
Classification: Uncertain significance for Microcephaly, normal intelligence and immunodeficiency. Last evaluated: 2022-05-16. Review status: criteria provided, single submitter. Criteria: Invitae Variant Classification Sherloc (09022015). Collection method: clinical testing. Allele origin: germline.
Comment: This variant results in a copy number gain of the genomic region encompassing exon(s) 8-16 of the NBN gene. This region includes the termination codon of the gene. This copy number gain extends beyond the assayed region for this gene and therefore may encompass additional genes. As the precise location of this event is unknown, it may be in tandem or it may be located elsewhere in the genome. This variant has not been reported in the literature in individuals affected with NBN-related conditions. Experimental studies and prediction algorithms are not available or were not evaluated, and the functional significance of this variant is currently unknown. In summary, the available evidence is currently insufficient to determine the role of this variant in disease. Therefore, it has been classified as a Variant of Uncertain Significance.

NC_000008.10:g.(?_90947810)_(90976745_?)dup

Gene: NBN (nibrin; minus strand). Cytogenetic location: 8q21.3.
Variant type: Duplication.
Identifiers: ClinVar variation 2424470 (VCV002424470.3).